The following is an entry in ClinVar:

ClinVar aggregate classification (germline): Likely benign. Review status: criteria provided, single submitter (1 of 4 stars). 2 submissions from 2 submitters: Likely benign (1). 1 of the submissions does not count toward it. Last evaluated 2021-01-01.

Conditions:
DNAH6-related disorder. Also called: DNAH6-related condition.

Allele frequency attached by ClinVar (database versions not stated): TOPMed 0.00015; gnomAD 0.00020 and 0.00021; gnomAD exomes 0.00021 and 0.00024; ExAC 0.00023.
gnomAD v4.1: 317 of 1,551,500 alleles (0.02%); highest among the groups gnomAD compares: Non-Finnish European, 0.023%; 1 homozygote.

Submissions (2):

CeGaT Center for Human Genetics Tuebingen
Classification: Likely benign. Last evaluated: 2021-01-01. Review status: criteria provided, single submitter. Criteria: CeGaT Center For Human Genetics Tuebingen Variant Classification Criteria Version 2. Collection method: clinical testing. Allele origin: germline. Affected: yes. Observed: 1 variant allele.

PreventionGenetics, part of Exact Sciences
Classification: Likely benign for DNAH6-related condition. Last evaluated: 2019-08-27. Review status: no assertion criteria provided. Collection method: clinical testing. Allele origin: germline. Not counted in ClinVar's aggregate classification.
Comment: This variant is classified as likely benign based on ACMG/AMP sequence variant interpretation guidelines (Richards et al. 2015 PMID: 25741868, with internal and published modifications).

NM_001370.2(DNAH6):c.11999-6T>C

Gene: DNAH6 (dynein axonemal heavy chain 6; plus strand). Cytogenetic location: 2p11.2.
Variant type: single nucleotide variant.
Coding change: c.11999-6T>C on transcript NM_001370.2 (MANE Select); 6 bases into the intron before coding-DNA position 11999, T replaced by C.
Molecular consequence: intron variant.
Genome position (GRCh38, 1-based): chr2:84,813,965, T>C. VCF-style: chr2-84813965-T-C. GRCh37 (hg19) VCF-style: chr2-85041089-T-C.
Other names: c.11999-6T>C (NM_001370.1).
Identifiers: ClinVar variation 1012948 (VCV001012948.39), dbSNP rs746794055, ClinGen allele CA1737860.